The following is an entry in ClinVar:

NM_016341.4(PLCE1):c.1504G>A (p.Gly502Ser)

Gene: PLCE1 (phospholipase C epsilon 1; plus strand). Cytogenetic location: 10q23.33.
Variant type: single nucleotide variant.
Coding change: c.1504G>A on transcript NM_016341.4 (MANE Select); coding-DNA position 1504, G replaced by A.
Protein change: p.Gly502Ser; replaces glycine 502 with serine.
Molecular consequence: missense variant.
Genome position (GRCh38, 1-based): chr10:94,171,191, G>A. VCF-style: chr10-94171191-G-A. GRCh37 (hg19) VCF-style: chr10-95930948-G-A.
Other names: c.580G>A, p.Gly194Ser (NM_001165979.2); c.1504G>A, p.Gly502Ser (NM_001288989.2); c.1504G>A (NM_016341.3); short protein forms G502S, G194S.
Identifiers: ClinVar variation 3598600 (VCV003598600.2).

ClinVar aggregate classification (germline): Conflicting classifications of pathogenicity. Review status: criteria provided, conflicting classifications (1 of 4 stars). 2 submissions from 2 submitters: Uncertain significance (1); Likely benign (1). Last evaluated 2024-12-02.

Conditions:
PLCE1-related disorder. Also called: PLCE1-related condition.
Nephrotic syndrome, type 3 (NPHS3). Also called: NEPHROTIC SYNDROME, EARLY-ONSET, TYPE 3. Identifiers: Orphanet 656, MedGen C1853124, MONDO:0012546, OMIM 610725.

gnomAD v4.1: 162 of 1,614,144 alleles (0.01%); highest among the groups gnomAD compares: Admixed American, 0.052%; 1 homozygote.

Submissions (2):

PreventionGenetics, part of Exact Sciences
Classification: Uncertain significance for PLCE1-related condition. Last evaluated: 2024-12-02. Review status: criteria provided, single submitter. Criteria: ACMG Guidelines, 2015. Collection method: clinical testing. Allele origin: germline.
Comment: The PLCE1 c.1504G>A variant is predicted to result in the amino acid substitution p.Gly502Ser. To our knowledge, this variant has not been reported in the literature. This variant is reported in 0.020% of alleles in individuals of Latino descent in gnomAD. At this time, the clinical significance of this variant is uncertain due to the absence of conclusive functional and genetic evidence.

Fulgent Genetics
Classification: Likely benign for Nephrotic syndrome, type 3. Last evaluated: 2024-03-25. Review status: criteria provided, single submitter. Criteria: ACMG Guidelines, 2015. Collection method: clinical testing. Allele origin: germline.